The following is an entry in ClinVar:

ClinVar aggregate classification (germline): Uncertain significance (1 of 4 stars; one submission).

Conditions:
Spastic ataxia 2. Also called: Ataxia, spastic, 2, autosomal recessive. Identifiers: Orphanet 397946, MedGen C1969796, MONDO:0012651, OMIM 611302.

Allele frequency attached by ClinVar (database versions not stated): ExAC 0.00001; gnomAD 0.00001; gnomAD exomes 0.00001.
gnomAD v4.1: 4 of 1,613,640 alleles (0.00025%); highest among the groups gnomAD compares: Admixed American, 0.0067%; no homozygotes.

Submission:

Labcorp Genetics (formerly Invitae), Labcorp
Classification: Uncertain significance for Spastic ataxia 2. Last evaluated: 2025-07-14. Review status: criteria provided, single submitter. Criteria: Invitae Variant Classification Sherloc (09022015). Collection method: clinical testing. Allele origin: germline.
Comment: This sequence change replaces alanine, which is neutral and non-polar, with threonine, which is neutral and polar, at codon 193 of the KIF1C protein (p.Ala193Thr). This variant is present in population databases (rs754938138, gnomAD 0.006%). This variant has not been reported in the literature in individuals affected with KIF1C-related conditions. ClinVar contains an entry for this variant (Variation ID: 664428). Invitae Evidence Modeling of protein sequence and biophysical properties (such as structural, functional, and spatial information, amino acid conservation, physicochemical variation, residue mobility, and thermodynamic stability) indicates that this missense variant is not expected to disrupt KIF1C protein function with a negative predictive value of 80%. In summary, the available evidence is currently insufficient to determine the role of this variant in disease. Therefore, it has been classified as a Variant of Uncertain Significance.

NM_006612.6(KIF1C):c.577G>A (p.Ala193Thr)

Gene: KIF1C (kinesin family member 1C; plus strand). Cytogenetic location: 17p13.2.
Variant type: single nucleotide variant.
Coding change: c.577G>A on transcript NM_006612.6 (MANE Select); coding-DNA position 577, G replaced by A.
Protein change: p.Ala193Thr; replaces alanine 193 with threonine.
Molecular consequence: missense variant.
Genome position (GRCh38, 1-based): chr17:5,002,611, G>A. VCF-style: chr17-5002611-G-A. GRCh37 (hg19) VCF-style: chr17-4905906-G-A.
Other names: short protein forms A193T.
Identifiers: ClinVar variation 664428 (VCV000664428.8), dbSNP rs754938138, ClinGen allele CA8318599.